The following is an entry in ClinVar:

NM_005477.3(HCN4):c.992A>C (p.Gln331Pro)

Genes: HCN4 (hyperpolarization activated cyclic nucleotide gated potassium channel 4; minus strand), LOC105370890 (uncharacterized LOC105370890; plus strand), LOC126862173 (CDK7 strongly-dependent group 2 enhancer GRCh37_chr15:73635762-73636961; plus strand). Cytogenetic location: 15q24.1.
Variant type: single nucleotide variant.
Coding change: c.992A>C on transcript NM_005477.3 (MANE Select); coding-DNA position 992, A replaced by C.
Protein change: p.Gln331Pro; replaces glutamine 331 with proline.
Molecular consequence: missense variant.
Genome position (GRCh38, 1-based): chr15:73,343,602, T>G on the plus strand (A>C on the coding strand, the complement: HCN4 is on the minus strand). VCF-style: chr15-73343602-T-G. GRCh37 (hg19) VCF-style: chr15-73635943-T-G.
Other names: short protein forms Q331P.
Identifiers: ClinVar variation 4711057 (VCV004711057.1).

ClinVar aggregate classification (germline): Uncertain significance (1 of 4 stars; one submission).

Conditions:
Brugada syndrome 8 (BRGDA8). Identifiers: Orphanet 130, MedGen C2751083, MONDO:0013148, OMIM 613123.

Submission:

Labcorp Genetics (formerly Invitae), Labcorp
Classification: Uncertain significance for Brugada syndrome 8. Last evaluated: 2025-11-28. Review status: criteria provided, single submitter. Criteria: Invitae Variant Classification Sherloc (09022015). Collection method: clinical testing. Allele origin: germline.
Comment: This sequence change replaces glutamine, which is neutral and polar, with proline, which is neutral and non-polar, at codon 331 of the HCN4 protein (p.Gln331Pro). This variant is not present in population databases (gnomAD no frequency). This variant has not been reported in the literature in individuals affected with HCN4-related conditions. Invitae Evidence Modeling of protein sequence and biophysical properties (such as structural, functional, and spatial information, amino acid conservation, physicochemical variation, residue mobility, and thermodynamic stability) has been performed for this missense variant. However, the output from this modeling did not meet the statistical confidence thresholds required to predict the impact of this variant on HCN4 protein function. In summary, the available evidence is currently insufficient to determine the role of this variant in disease. Therefore, it has been classified as a Variant of Uncertain Significance.